The following is an entry in ClinVar:

NM_001184.4(ATR):c.2403T>A (p.Asp801Glu)

Gene: ATR (ATR checkpoint kinase; minus strand). Cytogenetic location: 3q23.
Variant type: single nucleotide variant.
Coding change: c.2403T>A on transcript NM_001184.4 (MANE Select); coding-DNA position 2403, T replaced by A.
Protein change: p.Asp801Glu; replaces aspartic acid 801 with glutamic acid.
Molecular consequence: missense variant.
Genome position (GRCh38, 1-based): chr3:142,553,954, A>T on the plus strand (T>A on the coding strand, the complement: ATR is on the minus strand). VCF-style: chr3-142553954-A-T. GRCh37 (hg19) VCF-style: chr3-142272796-A-T.
Other names: c.2211T>A, p.Asp737Glu (NM_001354579.2); short protein forms D737E, D801E.
Identifiers: ClinVar variation 1441560 (VCV001441560.10), dbSNP rs1441471018, ClinGen allele CA354816979.
Genomic context (GRCh38, chr3:142,553,954, plus strand): 5'-TCTAACATCTTTGTCTGGATCTTCCATTAAATTTAATAAAGTTCCAAGAACTGCTTTTAC[A>T]TCTGTTTCATCTTCTCTAAAATCAAGATGCTTACAAAGATGATGTAGATTATCTATGAAA-3'
Protein context (NP_001175.2, residues 791-811): KHLDFREDET[Asp801Glu]VKAVLGTLLN

ClinVar aggregate classification (germline): Uncertain significance. Review status: criteria provided, multiple submitters, no conflicts (2 of 4 stars). 5 submissions from 4 submitters: Uncertain significance (5). Last evaluated 2025-12-19.

Conditions:
Familial cutaneous telangiectasia and oropharyngeal predisposition cancer syndrome. Identifiers: Orphanet 313846, MedGen C3281203, MONDO:0013806, OMIM 614564.
Seckel syndrome 1 (SCKL1). Also called: MICROCEPHALIC PRIMORDIAL DWARFISM I. Identifiers: Orphanet 808, MedGen C4551474, MONDO:0008869, OMIM 210600.
Inborn genetic diseases. Identifiers: MedGen C0950123, MeSH D030342.

Allele frequency attached by ClinVar (database versions not stated): TOPMed 0.00001; gnomAD exomes below 0.00001; gnomAD 0.00001.
gnomAD v4.1: 18 of 1,609,912 alleles (0.0011%); highest among the groups gnomAD compares: Admixed American, 0.0017%; no homozygotes.

Submissions (5):

Dasa
Classification: Uncertain significance. Last evaluated: 2025-12-19. Review status: criteria provided, single submitter. Criteria: DASA Assertion Criteria. Collection method: clinical testing. Allele origin: germline.
Comment: NM_001184.4(ATR):c.2403T>A (p.Asp801Glu) is a missense variant that results in the substitution of aspartic acid with glutamic acid. This variant is rare in population databases. Computational prediction algorithms are consistent with a benign effect. The currently available literature and clinical evidence are not sufficient to establish a definitive association between this variant and the reported condition. Therefore, this variant is classified as a variant of uncertain significance.

Genome-Nilou Lab
Classification: Uncertain significance for Seckel syndrome 1. Last evaluated: 2023-02-08. Review status: criteria provided, single submitter. Criteria: ACMG Guidelines, 2015. Collection method: clinical testing. Allele origin: germline.

Genome-Nilou Lab
Classification: Uncertain significance for Familial cutaneous telangiectasia and oropharyngeal predisposition cancer syndrome. Last evaluated: 2023-02-08. Review status: criteria provided, single submitter. Criteria: ACMG Guidelines, 2015. Collection method: clinical testing. Allele origin: germline.

Ambry Genetics
Classification: Uncertain significance for Inborn genetic diseases. Last evaluated: 2022-10-27. Review status: criteria provided, single submitter. Criteria: Ambry Variant Classification Scheme 2023. Collection method: clinical testing. Allele origin: germline.
Comment: The p.D801E variant (also known as c.2403T>A), located in coding exon 11 of the ATR gene, results from a T to A substitution at nucleotide position 2403. The aspartic acid at codon 801 is replaced by glutamic acid, an amino acid with highly similar properties. This amino acid position is conserved. In addition, this alteration is predicted to be tolerated by in silico analysis. Since supporting evidence is limited at this time, the clinical significance of this alteration remains unclear.

Labcorp Genetics (formerly Invitae), Labcorp
Classification: Uncertain significance. Last evaluated: 2022-10-18. Review status: criteria provided, single submitter. Criteria: Invitae Variant Classification Sherloc (09022015). Collection method: clinical testing. Allele origin: germline.
Comment: ClinVar contains an entry for this variant (Variation ID: 1441560). In summary, the available evidence is currently insufficient to determine the role of this variant in disease. Therefore, it has been classified as a Variant of Uncertain Significance. Algorithms developed to predict the effect of missense changes on protein structure and function output the following: SIFT: "Tolerated"; PolyPhen-2: "Benign"; Align-GVGD: "Class C0". The glutamic acid amino acid residue is found in multiple mammalian species, which suggests that this missense change does not adversely affect protein function. This variant has not been reported in the literature in individuals affected with ATR-related conditions. This variant is present in population databases (no rsID available, gnomAD 0.0009%). This sequence change replaces aspartic acid, which is acidic and polar, with glutamic acid, which is acidic and polar, at codon 801 of the ATR protein (p.Asp801Glu).